The following is an entry in ClinVar:

NM_000318.3(PEX2):c.607T>C (p.Phe203Leu)

Gene: PEX2 (peroxisomal biogenesis factor 2; minus strand). Cytogenetic location: 8q21.13.
Variant type: single nucleotide variant.
Coding change: c.607T>C on transcript NM_000318.3 (MANE Select); coding-DNA position 607, T replaced by C.
Protein change: p.Phe203Leu; replaces phenylalanine 203 with leucine.
Molecular consequence: missense variant.
Genome position (GRCh38, 1-based): chr8:76,983,572, A>G on the plus strand (T>C on the coding strand, the complement: PEX2 is on the minus strand). VCF-style: chr8-76983572-A-G. GRCh37 (hg19) VCF-style: chr8-77895808-A-G.
Other names: c.607T>C, p.Phe203Leu (NM_001079867.2, NM_001172086.2, NM_001172087.2); short protein forms F203L.
Identifiers: ClinVar variation 1308961 (VCV001308961.9), dbSNP rs1806904326, ClinGen allele CA371556969.

ClinVar aggregate classification (germline): Uncertain significance. Review status: criteria provided, multiple submitters, no conflicts (2 of 4 stars). 4 submissions from 4 submitters: Uncertain significance (4). Last evaluated 2026-05-14.

Conditions:
Peroxisome biogenesis disorder 5A (Zellweger) (PBD5A). Identifiers: Orphanet 912, MedGen C3553940, MONDO:0013932, OMIM 614866.
PEX2-related disorder. Also called: PEX2-related condition.
Inborn genetic diseases. Identifiers: MedGen C0950123, MeSH D030342.

Allele frequency attached by ClinVar (database versions not stated): gnomAD exomes below 0.00001; TOPMed 0.00002.
gnomAD v4.1: 2 of 1,614,114 alleles (0.00012%); highest among the groups gnomAD compares: Admixed American, 0.0017%; no homozygotes.

Submissions (4):

PreventionGenetics, part of Exact Sciences
Classification: Uncertain significance for PEX2-related condition. Last evaluated: 2026-05-14. Review status: criteria provided, single submitter. Criteria: ACMG Guidelines, 2015. Collection method: clinical testing. Allele origin: germline.
Comment: The PEX2 c.607T>C variant is predicted to result in the amino acid substitution p.Phe203Leu. To our knowledge, this variant has not been reported in the literature or in a large population database, indicating this variant is rare. At this time, the clinical significance of this variant is uncertain due to the absence of conclusive functional and genetic evidence.

Ambry Genetics
Classification: Uncertain significance for Inborn genetic diseases. Last evaluated: 2025-06-25. Review status: criteria provided, single submitter. Criteria: Ambry Variant Classification Scheme 2023. Collection method: clinical testing. Allele origin: germline.

GeneDx
Classification: Uncertain significance. Last evaluated: 2024-04-07. Review status: criteria provided, single submitter. Criteria: GeneDx Variant Classification Process June 2021. Collection method: clinical testing. Allele origin: germline. Affected: yes.
Comment: Not observed at significant frequency in large population cohorts (gnomAD); In silico analysis indicates that this missense variant does not alter protein structure/function; Has not been previously published as pathogenic or benign to our knowledge

Labcorp Genetics (formerly Invitae), Labcorp
Classification: Uncertain significance for Peroxisome biogenesis disorder 5A (Zellweger). Last evaluated: 2022-08-20. Review status: criteria provided, single submitter. Criteria: Invitae Variant Classification Sherloc (09022015). Collection method: clinical testing. Allele origin: germline.
Comment: This sequence change replaces phenylalanine, which is neutral and non-polar, with leucine, which is neutral and non-polar, at codon 203 of the PEX2 protein (p.Phe203Leu). This variant is not present in population databases (gnomAD no frequency). This variant has not been reported in the literature in individuals affected with PEX2-related conditions. ClinVar contains an entry for this variant (Variation ID: 1308961). Algorithms developed to predict the effect of missense changes on protein structure and function are either unavailable or do not agree on the potential impact of this missense change (SIFT: "Tolerated"; PolyPhen-2: "Probably Damaging"; Align-GVGD: "Class C0"). In summary, the available evidence is currently insufficient to determine the role of this variant in disease. Therefore, it has been classified as a Variant of Uncertain Significance.